The following is an entry in ClinVar:

NM_003480.4(MFAP5):c.247G>C (p.Glu83Gln)

Gene: MFAP5 (microfibril associated protein 5; minus strand). Cytogenetic location: 12p13.31.
Variant type: single nucleotide variant.
Coding change: c.247G>C on transcript NM_003480.4 (MANE Select); coding-DNA position 247, G replaced by C.
Protein change: p.Glu83Gln; replaces glutamic acid 83 with glutamine.
Molecular consequence: missense variant. On other transcripts: non-coding transcript variant (1), intron variant (4).
Genome position (GRCh38, 1-based): chr12:8,651,662, C>G on the plus strand (G>C on the coding strand, the complement: MFAP5 is on the minus strand). VCF-style: chr12-8651662-C-G. GRCh37 (hg19) VCF-style: chr12-8804258-C-G.
Other names: c.182-1073G>C (NM_001297710.2); c.173-1073G>C (NM_001297711.2); c.217+2775G>C (NM_001297712.2); c.218-1073G>C (NM_001297709.2); short protein forms E83Q.
Identifiers: ClinVar variation 2795855 (VCV002795855.3), dbSNP rs1941842476, ClinGen allele CA384039197.

ClinVar aggregate classification (germline): Uncertain significance (1 of 4 stars; one submission).

gnomAD v4.1: 2 of 1,613,908 alleles (0.00012%); highest among the groups gnomAD compares: Non-Finnish European, 0.000085%; no homozygotes.

Submission:

Labcorp Genetics (formerly Invitae), Labcorp
Classification: Uncertain significance. Last evaluated: 2023-11-02. Review status: criteria provided, single submitter. Criteria: Invitae Variant Classification Sherloc (09022015). Collection method: clinical testing. Allele origin: germline.
Comment: This sequence change replaces glutamic acid, which is acidic and polar, with glutamine, which is neutral and polar, at codon 83 of the MFAP5 protein (p.Glu83Gln). This variant also falls at the last nucleotide of exon 7, which is part of the consensus splice site for this exon. This variant is not present in population databases (gnomAD no frequency). This variant has not been reported in the literature in individuals affected with MFAP5-related conditions. An algorithm developed to predict the effect of missense changes on protein structure and function (PolyPhen-2) suggests that this variant is likely to be disruptive. Variants that disrupt the consensus splice site are a relatively common cause of aberrant splicing (PMID: 17576681, 9536098). Algorithms developed to predict the effect of sequence changes on RNA splicing suggest that this variant may disrupt the consensus splice site. In summary, the available evidence is currently insufficient to determine the role of this variant in disease. Therefore, it has been classified as a Variant of Uncertain Significance.

Literature cited by the submitters: PubMed 17576681; PubMed 9536098.